The following is an entry in ClinVar:

NM_002894.3(RBBP8):c.1815T>A (p.Ser605Arg)

Gene: RBBP8 (RB binding protein 8, endonuclease; plus strand). Cytogenetic location: 18q11.2.
Variant type: single nucleotide variant.
Coding change: c.1815T>A on transcript NM_002894.3 (MANE Select); coding-DNA position 1815, T replaced by A.
Protein change: p.Ser605Arg; replaces serine 605 with arginine.
Molecular consequence: missense variant.
Genome position (GRCh38, 1-based): chr18:22,993,723, T>A. VCF-style: chr18-22993723-T-A. GRCh37 (hg19) VCF-style: chr18-20573686-T-A.
Other names: c.1815T>A, p.Ser605Arg (NM_203291.2, NM_203292.2); short protein forms S605R.
Identifiers: ClinVar variation 1964950 (VCV001964950.2), dbSNP rs747050011, ClinGen allele CA401779288.
Genomic context (GRCh38, chr18:22,993,723, plus strand): 5'-TTTGATTAAAATGATTGCTTGTGATTTCATTTAGAGCTAACAATTATTTCTGTTTTAGAG[T>A]GCTGGTTCTCATGAGCCAATAAAAATACAAACCAGGTCAGACCATGGAGGATGTGAACTT-3'
Protein context (NP_002885.1, residues 595-615): ETENVLDDIK[Ser605Arg]AGSHEPIKIQ

ClinVar aggregate classification (germline): Uncertain significance (1 of 4 stars; one submission).

gnomAD v4.1: 5 of 1,614,170 alleles (0.00031%); highest among the groups gnomAD compares: Admixed American, 0.0067%; no homozygotes.

Submission:

Labcorp Genetics (formerly Invitae), Labcorp
Classification: Uncertain significance. Last evaluated: 2022-03-28. Review status: criteria provided, single submitter. Criteria: Invitae Variant Classification Sherloc (09022015). Collection method: clinical testing. Allele origin: germline.
Comment: This sequence change replaces serine, which is neutral and polar, with arginine, which is basic and polar, at codon 605 of the RBBP8 protein (p.Ser605Arg). This variant is present in population databases (no rsID available, gnomAD 0.01%). This variant has not been reported in the literature in individuals affected with RBBP8-related conditions. Algorithms developed to predict the effect of missense changes on protein structure and function (SIFT, PolyPhen-2, Align-GVGD) all suggest that this variant is likely to be tolerated. In summary, the available evidence is currently insufficient to determine the role of this variant in disease. Therefore, it has been classified as a Variant of Uncertain Significance.